The following is an entry in ClinVar:

NM_002206.3(ITGA7):c.2177T>A (p.Val726Asp)

Genes: ITGA7 (integrin subunit alpha 7; minus strand), LOC126861535 (CDK7 strongly-dependent group 2 enhancer GRCh37_chr12:56087579-56088778; plus strand). Cytogenetic location: 12q13.2.
Variant type: single nucleotide variant.
Coding change: c.2177T>A on transcript NM_002206.3 (MANE Select); coding-DNA position 2177, T replaced by A.
Protein change: p.Val726Asp; replaces valine 726 with aspartic acid.
Molecular consequence: missense variant.
Genome position (GRCh38, 1-based): chr12:55,694,797, A>T on the plus strand (T>A on the coding strand, the complement: ITGA7 is on the minus strand). VCF-style: chr12-55694797-A-T. GRCh37 (hg19) VCF-style: chr12-56088581-A-T.
Other names: c.2189T>A, p.Val730Asp (NM_001144996.2); c.1898T>A, p.Val633Asp (NM_001144997.2); c.1850T>A, p.Val617Asp (NM_001367993.1); c.833T>A, p.Val278Asp (NM_001367994.1); c.2159T>A, p.Val720Asp (NM_001374465.1); c.2309T>A, p.Val770Asp (NM_001410977.1); c.2171T>A, p.Val724Asp (NM_001414029.1); c.2102T>A, p.Val701Asp (NM_001414030.1); and 4 more; short protein forms V278D, V617D, V633D, V720D, V726D, V730D, V770D, V613D.
Identifiers: ClinVar variation 1004525 (VCV001004525.9), dbSNP rs1872272958, ClinGen allele CA385183738.

ClinVar aggregate classification (germline): Uncertain significance (1 of 4 stars; one submission).

Conditions:
Congenital muscular dystrophy due to integrin alpha-7 deficiency. Also called: Congenital muscular dystrophy with integrin alpha-7 deficiency; Muscular dystrophy, congenital, due to ITGA7 deficiency; MYOPATHY, CONGENITAL, DUE TO INTEGRIN ALPHA-7 DEFICIENCY. Identifiers: Orphanet 34520, MedGen C2750786, MONDO:0013177, OMIM 613204.

Submission:

Labcorp Genetics (formerly Invitae), Labcorp
Classification: Uncertain significance for Congenital muscular dystrophy due to integrin alpha-7 deficiency. Last evaluated: 2024-10-18. Review status: criteria provided, single submitter. Criteria: Invitae Variant Classification Sherloc (09022015). Collection method: clinical testing. Allele origin: germline.
Comment: This sequence change replaces valine, which is neutral and non-polar, with aspartic acid, which is acidic and polar, at codon 726 of the ITGA7 protein (p.Val726Asp). This variant is not present in population databases (gnomAD no frequency). This variant has not been reported in the literature in individuals affected with ITGA7-related conditions. ClinVar contains an entry for this variant (Variation ID: 1004525). Invitae Evidence Modeling of protein sequence and biophysical properties (such as structural, functional, and spatial information, amino acid conservation, physicochemical variation, residue mobility, and thermodynamic stability) has been performed for this missense variant. However, the output from this modeling did not meet the statistical confidence thresholds required to predict the impact of this variant on ITGA7 protein function. In summary, the available evidence is currently insufficient to determine the role of this variant in disease. Therefore, it has been classified as a Variant of Uncertain Significance.